The following is an entry in ClinVar:

NM_025099.6(CTC1):c.1052G>A (p.Arg351Gln)

Gene: CTC1 (CST telomere replication complex component 1; minus strand). Cytogenetic location: 17p13.1.
Variant type: single nucleotide variant.
Coding change: c.1052G>A on transcript NM_025099.6 (MANE Select); coding-DNA position 1052, G replaced by A.
Protein change: p.Arg351Gln; replaces arginine 351 with glutamine.
Molecular consequence: missense variant. On other transcripts: non-coding transcript variant (1).
Genome position (GRCh38, 1-based): chr17:8,236,083, C>T on the plus strand (G>A on the coding strand, the complement: CTC1 is on the minus strand). VCF-style: chr17-8236083-C-T. GRCh37 (hg19) VCF-style: chr17-8139401-C-T.
Other names: short protein forms R351Q.
Identifiers: ClinVar variation 639506 (VCV000639506.10), dbSNP rs371166242, ClinGen allele CA8372490.

ClinVar aggregate classification (germline): Uncertain significance. Review status: criteria provided, multiple submitters, no conflicts (2 of 4 stars). 2 submissions from 2 submitters: Uncertain significance (2). Last evaluated 2024-11-04.

Conditions:
Dyskeratosis congenita. Identifiers: Orphanet 1775, MedGen C0265965, MONDO:0015780.

Allele frequency attached by ClinVar (database versions not stated): ExAC 0.00001; gnomAD exomes 0.00001 and 0.00003; TOPMed 0.00006; gnomAD 0.00007; ESP Exome Variant Server 0.00008.

Submissions (2):

Labcorp Genetics (formerly Invitae), Labcorp
Classification: Uncertain significance for Dyskeratosis congenita. Last evaluated: 2024-11-04. Review status: criteria provided, single submitter. Criteria: Invitae Variant Classification Sherloc (09022015). Collection method: clinical testing. Allele origin: germline.
Comment: This sequence change replaces arginine, which is basic and polar, with glutamine, which is neutral and polar, at codon 351 of the CTC1 protein (p.Arg351Gln). This variant is present in population databases (rs371166242, gnomAD 0.03%). This variant has not been reported in the literature in individuals affected with CTC1-related conditions. ClinVar contains an entry for this variant (Variation ID: 639506). Invitae Evidence Modeling of protein sequence and biophysical properties (such as structural, functional, and spatial information, amino acid conservation, physicochemical variation, residue mobility, and thermodynamic stability) indicates that this missense variant is not expected to disrupt CTC1 protein function with a negative predictive value of 80%. In summary, the available evidence is currently insufficient to determine the role of this variant in disease. Therefore, it has been classified as a Variant of Uncertain Significance.

Blueprint Genetics
Classification: Uncertain significance. Last evaluated: 2022-06-23. Review status: criteria provided, single submitter. Criteria: ACMG Guidelines, 2015. Collection method: clinical testing. Allele origin: germline.